The following is an entry in ClinVar:

NM_004366.6(CLCN2):c.370C>T (p.Arg124Trp)

Gene: CLCN2 (chloride voltage-gated channel 2; minus strand). Cytogenetic location: 3q27.1.
Variant type: single nucleotide variant.
Coding change: c.370C>T on transcript NM_004366.6 (MANE Select); coding-DNA position 370, C replaced by T.
Protein change: p.Arg124Trp; replaces arginine 124 with tryptophan.
Molecular consequence: missense variant.
Genome position (GRCh38, 1-based): chr3:184,358,293, G>A on the plus strand (C>T on the coding strand, the complement: CLCN2 is on the minus strand). VCF-style: chr3-184358293-G-A. GRCh37 (hg19) VCF-style: chr3-184076081-G-A.
Other names: c.370C>T (NM_004366.5); c.370C>T, p.Arg124Trp (NM_001171087.3, NM_001171089.3); c.238C>T, p.Arg80Trp (NM_001171088.3); short protein forms R124W, R80W.
Identifiers: ClinVar variation 1315589 (VCV001315589.15), dbSNP rs139188499, ClinGen allele CA2734517.
Genomic context (GRCh38, chr3:184,358,293, plus strand): 5'-GGACAACAGGGTAGGTGACCCAGGCCAGGTACTGGAGCAAGATGCTGGTGTTCAAGCCCC[G>A]GGACATCCACTGCTGGGCTGTGGGAAGAGGACCTGCTGGACCCCCAGTGCACACACCCAC-3'
Protein context (NP_004357.3, residues 114-134): ACLQAQQWMS[Arg124Trp]GLNTSILLQY

ClinVar aggregate classification (germline): Conflicting classifications of pathogenicity. Review status: criteria provided, conflicting classifications (1 of 4 stars). 5 submissions from 5 submitters: Uncertain significance (3); Likely benign (2). Last evaluated 2026-02-19.

Conditions:
CLCN2-related disorder. Also called: CLCN2-related condition; CLCN2-related disorders.
Inborn genetic diseases. Identifiers: MedGen C0950123, MeSH D030342.

Allele frequency attached by ClinVar (database versions not stated): gnomAD exomes 0.00007 and 0.00022; gnomAD 0.00075 and 0.00079; ESP Exome Variant Server 0.00077; 1000 Genomes Project 0.00100; 1000 Genomes Project 30x 0.00109.
gnomAD v4.1: 220 of 1,614,050 alleles (0.014%); highest among the groups gnomAD compares: African/African-American, 0.26%; no homozygotes.

Submissions (5):

PreventionGenetics, part of Exact Sciences
Classification: Likely benign for CLCN2-related condition. Last evaluated: 2026-02-19. Review status: criteria provided, single submitter. Criteria: ACMG Guidelines, 2015. Collection method: clinical testing. Allele origin: germline.
Comment: This variant is classified as likely benign based on ACMG/AMP sequence variant interpretation guidelines (Richards et al. 2015 PMID: 25741868, with internal and published modifications).

Labcorp Genetics (formerly Invitae), Labcorp
Classification: Likely benign. Last evaluated: 2025-10-18. Review status: criteria provided, single submitter. Criteria: Invitae Variant Classification Sherloc (09022015). Collection method: clinical testing. Allele origin: germline.

Ambry Genetics
Classification: Uncertain significance for Inborn genetic diseases. Last evaluated: 2025-04-11. Review status: criteria provided, single submitter. Criteria: Ambry Variant Classification Scheme 2023. Collection method: clinical testing. Allele origin: germline.

Laboratorio de Genetica e Diagnostico Molecular, Hospital Israelita Albert Einstein
Classification: Uncertain significance. Last evaluated: 2021-03-30. Review status: criteria provided, single submitter. Criteria: ACMG Guidelines, 2015. Collection method: clinical testing. Allele origin: germline. Affected: yes.

GeneDx
Classification: Uncertain significance. Last evaluated: 2019-05-16. Review status: criteria provided, single submitter. Criteria: GeneDx Variant Classification Process June 2021. Collection method: clinical testing. Allele origin: germline. Affected: yes.
Comment: In silico analysis, which includes protein predictors and evolutionary conservation, supports a deleterious effect; Has not been previously published as pathogenic or benign to our knowledge